The following is an entry in ClinVar:

NM_015450.3(POT1):c.668A>G (p.Tyr223Cys)

Gene: POT1 (protection of telomeres 1; minus strand). Cytogenetic location: 7q31.33.
Variant type: single nucleotide variant.
Coding change: c.668A>G on transcript NM_015450.3 (MANE Select); coding-DNA position 668, A replaced by G.
Protein change: p.Tyr223Cys; replaces tyrosine 223 with cysteine.
Molecular consequence: missense variant. On other transcripts: non-coding transcript variant (3).
Genome position (GRCh38, 1-based): chr7:124,858,991, T>C on the plus strand (A>G on the coding strand, the complement: POT1 is on the minus strand). VCF-style: chr7-124858991-T-C. GRCh37 (hg19) VCF-style: chr7-124499045-T-C.
Other names: c.275A>G, p.Tyr92Cys (NM_001042594.2); short protein forms Y223C, Y92C.
Identifiers: ClinVar variation 947535 (VCV000947535.13), dbSNP rs1795515617, ClinGen allele CA369056135.

ClinVar aggregate classification (germline): Uncertain significance. Review status: criteria provided, multiple submitters, no conflicts (2 of 4 stars). 2 submissions from 2 submitters: Uncertain significance (2). Last evaluated 2025-04-17.

Conditions:
Hereditary cancer-predisposing syndrome. Also called: Neoplastic Syndromes, Hereditary; Tumor predisposition; Hereditary Cancer Syndrome; Hereditary neoplastic syndrome. Identifiers: Orphanet 140162, MedGen C0027672, MeSH D009386, MONDO:0015356.
Tumor predisposition syndrome 3 (TPDS3). Also called: Glioma susceptibility 9; LONG TELOMERE SYNDROME, POT1-RELATED; POT1 Tumor Predisposition; Melanoma, cutaneous malignant, susceptibility to, 10. Identifiers: Orphanet 618, MedGen C4014476, MONDO:0014368, OMIM 615848.

Submissions (2):

Ambry Genetics
Classification: Uncertain significance for Hereditary cancer-predisposing syndrome. Last evaluated: 2025-04-17. Review status: criteria provided, single submitter. Criteria: Ambry Variant Classification Scheme 2023. Collection method: clinical testing. Allele origin: germline.
Comment: The p.Y223C variant (also known as c.668A>G), located in coding exon 5 of the POT1 gene, results from an A to G substitution at nucleotide position 668. The tyrosine at codon 223 is replaced by cysteine, an amino acid with highly dissimilar properties. In one study, this alteration was identified as a recurrent somatic variant in a cohort of 127 CLL patients, and study authors classified p.Y223C as deleterious based on functional studies showing impaired telomere binding and aberrant telomere length homeostasis (Ramsay AJ et al. Nat Genet, 2013 May;45:526-30). This amino acid position is highly conserved in available vertebrate species. In addition, this alteration is predicted to be deleterious by in silico analysis. Since supporting evidence is limited at this time, the clinical significance of this alteration remains unclear.

Labcorp Genetics (formerly Invitae), Labcorp
Classification: Uncertain significance for Tumor predisposition syndrome 3. Last evaluated: 2024-10-15. Review status: criteria provided, single submitter. Criteria: Invitae Variant Classification Sherloc (09022015). Collection method: clinical testing. Allele origin: germline.
Comment: This sequence change replaces tyrosine, which is neutral and polar, with cysteine, which is neutral and slightly polar, at codon 223 of the POT1 protein (p.Tyr223Cys). This variant is not present in population databases (gnomAD no frequency). This variant has not been reported in the literature in individuals affected with POT1-related conditions. ClinVar contains an entry for this variant (Variation ID: 947535). Invitae Evidence Modeling of protein sequence and biophysical properties (such as structural, functional, and spatial information, amino acid conservation, physicochemical variation, residue mobility, and thermodynamic stability) indicates that this missense variant is not expected to disrupt POT1 protein function with a negative predictive value of 80%. Experimental studies have shown that this missense change affects POT1 function (PMID: 23502782, 27869160). In summary, the available evidence is currently insufficient to determine the role of this variant in disease. Therefore, it has been classified as a Variant of Uncertain Significance.

Literature cited by the submitters: PubMed 23502782 (cited by Ambry Genetics and Labcorp Genetics (formerly Invitae), Labcorp); PubMed 27869160 (cited by Labcorp Genetics (formerly Invitae), Labcorp).